The following is an entry in ClinVar:

ClinVar aggregate classification (germline): Conflicting classifications of pathogenicity. Review status: criteria provided, conflicting classifications (1 of 4 stars). 6 submissions from 6 submitters: Uncertain significance (1); Benign (2); Likely benign (2). 1 of the submissions does not count toward it. Last evaluated 2026-02-01.

Conditions:
TTN-related disorder. Also called: TTN-related condition; TTN-related disease; TTN-related disorders.
Dilated cardiomyopathy 1G (CMD1G). Identifiers: Orphanet 154, MedGen C1858763, MONDO:0011400, OMIM 604145.
Autosomal recessive limb-girdle muscular dystrophy type 2J (LGMDR10). Also called: Limb-girdle muscular dystrophy, type 2J; MUSCULAR DYSTROPHY, LIMB-GIRDLE, AUTOSOMAL RECESSIVE 10. Identifiers: Orphanet 140922, MedGen C1837342, MONDO:0012127, OMIM 608807.

Allele frequency attached by ClinVar (database versions not stated): gnomAD 0.00003 and 0.00009; TOPMed 0.00005; gnomAD exomes 0.00017 and 0.00036; 1000 Genomes Project 30x 0.00031; 1000 Genomes Project 0.00040; ExAC 0.00043.
gnomAD v4.1: 258 of 1,613,734 alleles (0.016%); highest among the groups gnomAD compares: South Asian, 0.24%; 4 homozygotes.

Submissions (6):

Labcorp Genetics (formerly Invitae), Labcorp
Classification: Benign for Dilated cardiomyopathy 1G; Autosomal recessive limb-girdle muscular dystrophy type 2J. Last evaluated: 2026-02-01. Review status: criteria provided, single submitter. Criteria: Invitae Variant Classification Sherloc (09022015). Collection method: clinical testing. Allele origin: germline.

Mayo Clinic Laboratories, Mayo Clinic
Classification: Likely benign. Last evaluated: 2025-01-13. Review status: criteria provided, single submitter. Criteria: ACMG Guidelines, 2015. Collection method: clinical testing. Allele origin: germline. Observed: 3 variant alleles.
Comment: BS1, BS2

Blueprint Genetics
Classification: Likely benign. Last evaluated: 2024-10-02. Review status: criteria provided, single submitter. Criteria: ACMG Guidelines, 2015. Collection method: clinical testing. Allele origin: germline.

Laboratory for Molecular Medicine, Mass General Brigham Personalized Medicine
Classification: Benign. Last evaluated: 2019-12-23. Review status: criteria provided, single submitter. Criteria: LMM Criteria. Collection method: clinical testing. Allele origin: germline. Observed: 2 variant alleles.
Comment: The p.Arg28882Cys variant in TTN is classified as benign because it has been identified in 0.3% (82/30602) of South Asian chromosomes and 3 homozygotes by gnomAD. ACMG/AMP Criteria applied: BA1.

Eurofins Ntd Llc (ga)
Classification: Uncertain significance. Last evaluated: 2018-03-13. Review status: criteria provided, single submitter. Criteria: EGL ClinVar v180209 classification definitions. Collection method: clinical testing. Allele origin: germline. Observed: 5 variant alleles, 5 heterozygotes.

PreventionGenetics, part of Exact Sciences
Classification: Likely benign for TTN-related condition. Last evaluated: 2022-03-02. Review status: no assertion criteria provided. Collection method: clinical testing. Allele origin: germline. Not counted in ClinVar's aggregate classification.
Comment: This variant is classified as likely benign based on ACMG/AMP sequence variant interpretation guidelines (Richards et al. 2015 PMID: 25741868, with internal and published modifications).

Literature cited by the submitters: PubMed 25214167 (cited by Mayo Clinic Laboratories, Mayo Clinic).

NM_001267550.2(TTN):c.94348C>T (p.Arg31450Cys)

Genes: TTN (titin; minus strand), TTN-AS1 (TTN antisense RNA 1; plus strand). Cytogenetic location: 2q31.2.
Variant type: single nucleotide variant.
Coding change: c.94348C>T on transcript NM_001267550.2 (MANE Select); coding-DNA position 94348, C replaced by T.
Protein change: p.Arg31450Cys; replaces arginine 31450 with cysteine.
Molecular consequence: missense variant.
Genome position (GRCh38, 1-based): chr2:178,547,177, G>A on the plus strand (C>T on the coding strand, the complement: TTN is on the minus strand). VCF-style: chr2-178547177-G-A. GRCh37 (hg19) VCF-style: chr2-179411904-G-A.
Other names: p.Arg28882Cys; c.89425C>T, p.Arg29809Cys (NM_001256850.1); c.67153C>T, p.Arg22385Cys (NM_003319.4); c.86644C>T, p.Arg28882Cys (NM_133378.4); c.67528C>T, p.Arg22510Cys (NM_133432.3); c.67729C>T, p.Arg22577Cys (NM_133437.4); short protein forms R31450C, R28882C, R22385C, R22510C, R22577C, R29809C.
Identifiers: ClinVar variation 535211 (VCV000535211.32), dbSNP rs541040798, ClinGen allele CA1987145.
Genomic context (GRCh38, chr2:178,547,177, plus strand): 5'-CTTTGTAGTTGCACTCTAAGCATGGCACTTTGTTTTCTTTCACCCAAAGAATTGTATTAC[G>A]TTCTTTCTTCTCAACCCAGTAGCCAATGATTTTACTGCCACCATCGTGGTAGGGTTCTTC-3'
Protein context (NP_001254479.2, residues 31440-31460): IIGYWVEKKE[Arg31450Cys]NTILWVKENK